The following is an entry in ClinVar:

NM_001384140.1(PCDH15):c.4672-1564T>C

Gene: PCDH15 (protocadherin related 15; minus strand). Cytogenetic location: 10q21.1.
Variant type: single nucleotide variant.
Coding change: c.4672-1564T>C on transcript NM_001384140.1 (MANE Select); 1564 bases into the intron before coding-DNA position 4672, T replaced by C.
Molecular consequence: intron variant. On other transcripts: stop lost (2), 3 prime UTR variant (1).
Genome position (GRCh38, 1-based): chr10:53,808,694, A>G on the plus strand (T>C on the coding strand, the complement: PCDH15 is on the minus strand). VCF-style: chr10-53808694-A-G. GRCh37 (hg19) VCF-style: chr10-55568454-A-G.
Other names: *1791R; *1784R; c.5371T>C, p.Ter1791Arg (NM_001142769.4); c.*786T>C (NM_001142770.3); c.5350T>C, p.Ter1784Arg (NM_001354411.2); c.4477-1564T>C (NM_001354420.2); c.4606-1564T>C (NM_001354429.2); c.4483-1564T>C (NM_001142772.2); and 2 more.
Identifiers: ClinVar variation 284406 (VCV000284406.23), dbSNP rs193186244, ClinGen allele CA5504665.
Genomic context (GRCh38, chr10:53,808,694, plus strand): 5'-AAGGCACTGCACACGAGAGCACTCATCACAGCAAAACTTCCACCTACTGTGATCTCTTTC[A>G]AAGTGCTGTGTTGTAACCTTCAGAGTTTGCTCCTGGCGACTTCTTTTGGTTTGCATTCTT-3'

ClinVar aggregate classification (germline): Conflicting classifications of pathogenicity. Review status: criteria provided, conflicting classifications (1 of 4 stars). 6 submissions from 6 submitters: Uncertain significance (5); Likely benign (1). Last evaluated 2026-09-14.

Conditions:
PCDH15-related disorder. Also called: PCDH15-related condition; PCDH15-related disorders.
Usher syndrome type 1D (USH1D). Also called: USHER SYNDROME, TYPE ID. Identifiers: Orphanet 231169, Orphanet 886, MedGen C1832845, MONDO:0010984, OMIM 601067.

Allele frequency attached by ClinVar (database versions not stated): ExAC 0.00016; TOPMed 0.00016; gnomAD exomes 0.00018 and 0.00034; gnomAD 0.00019 and 0.00020; 1000 Genomes Project 0.00020; ESP Exome Variant Server 0.00029; 1000 Genomes Project 30x 0.00031.
gnomAD v4.1: 536 of 1,611,832 alleles (0.033%); highest among the groups gnomAD compares: Non-Finnish European, 0.042%; no homozygotes.

Submissions (6):

PreventionGenetics, part of Exact Sciences
Classification: Uncertain significance for PCDH15-related condition. Last evaluated: 2026-09-14. Review status: criteria provided, single submitter. Criteria: ACMG Guidelines, 2015. Collection method: clinical testing. Allele origin: germline.
Comment: The PCDH15 c.5371T>C variant is predicted to result in extension of the open reading frame (p.*1791Argext*5). This variant was previously reported in a patient with Usher syndrome (supplementary table 1, Bonnet et al. 2016. PubMed ID: 27460420). However, this variant is reported in 0.037% of alleles in individuals of European (Non-Finnish) descent in gnomAD, which may be too frequent to be a primary cause of disease. Although we suspect that this variant may be benign, at this time, the clinical significance of this variant is uncertain due to the absence of conclusive functional and genetic evidence.

Labcorp Genetics (formerly Invitae), Labcorp
Classification: Likely benign. Last evaluated: 2026-01-15. Review status: criteria provided, single submitter. Criteria: Invitae Variant Classification Sherloc (09022015). Collection method: clinical testing. Allele origin: germline.

GeneDx
Classification: Uncertain significance. Last evaluated: 2025-07-10. Review status: criteria provided, single submitter. Criteria: GeneDx Variant Classification Process June 2021. Collection method: clinical testing. Allele origin: germline. Affected: yes.
Comment: Normal stop codon changed to a Arg codon, leading to the addition of an unknown number of amino acids at the C-terminus; Reported using an alternate transcript of the gene (NM_001142769.1); This variant is associated with the following publications: (PMID: 37473993, 27460420)

Blueprint Genetics
Classification: Uncertain significance. Last evaluated: 2024-03-25. Review status: criteria provided, single submitter. Criteria: ACMG Guidelines, 2015. Collection method: clinical testing. Allele origin: germline.

Myriad Genetics, Inc.
Classification: Uncertain significance for Usher syndrome type 1D. Last evaluated: 2021-11-08. Review status: criteria provided, single submitter. Criteria: Myriad Women's Health Autosomal Recessive and X-Linked Classification Criteria (2021). Collection method: clinical testing. Allele origin: unknown.
Comment: NM_033056.3(PCDH15):c.*13179A>G is a 3' non-coding variant classified as a variant of uncertain significance in the context of PCDH15-related disorders. c.*13179A>G has been observed in cases with relevant disease (PMID: 27460420). Functional assessments of this variant are not available in the literature. c.*13179A>G has been observed in population frequency databases (gnomAD: NFE 0.04%). In summary, there is insufficient evidence to classify NM_033056.3(PCDH15):c.*13179A>G as pathogenic or benign. Please note: this variant was assessed in the context of healthy population screening.

Eurofins Ntd Llc (ga)
Classification: Uncertain significance. Last evaluated: 2015-12-29. Review status: criteria provided, single submitter. Criteria: EGL Classification Definitions 2015. Collection method: clinical testing. Allele origin: germline. Observed: 1 variant allele, 1 heterozygote.

Literature cited by the submitters: PubMed 27460420 (cited by Myriad Genetics, Inc.).